The following is an entry in ClinVar:

ClinVar aggregate classification (germline): Conflicting classifications of pathogenicity. Review status: criteria provided, conflicting classifications (1 of 4 stars). 4 submissions from 4 submitters: Uncertain significance (2); Likely benign (2). Last evaluated 2026-09-24.

Conditions:
Cardiomyopathy (CMYO). Also called: Cardiomyopathies. Identifiers: Orphanet 167848, MedGen C0878544, MONDO:0004994, HP:0001638. Inheritance: Various modes of inheritance.
TTN-related disorder. Also called: TTN-related disorders; TTN-related condition; TTN-related disease.

Allele frequency attached by ClinVar (database versions not stated): gnomAD exomes 0.00002 and 0.00005; gnomAD 0.00004 and 0.00005; TOPMed 0.00005; ExAC 0.00008.
gnomAD v4.1: 40 of 1,461,258 alleles (0.0027%); highest among the groups gnomAD compares: African/African-American, 0.0057%; no homozygotes.

Submissions (4):

PreventionGenetics, part of Exact Sciences
Classification: Uncertain significance for TTN-related condition. Last evaluated: 2026-09-24. Review status: criteria provided, single submitter. Criteria: ACMG Guidelines, 2015. Collection method: clinical testing. Allele origin: germline.
Comment: The TTN c.31174G>A variant is predicted to result in the amino acid substitution p.Glu10392Lys. To our knowledge, this variant has not been reported in the literature. This variant is reported in 0.027% of alleles in individuals of South Asian descent in gnomAD. At this time, the clinical significance of this variant is uncertain due to the absence of conclusive functional and genetic evidence.

GeneDx
Classification: Likely benign. Last evaluated: 2019-10-28. Review status: criteria provided, single submitter. Criteria: GeneDx Variant Classification Process June 2021. Collection method: clinical testing. Allele origin: germline. Affected: yes.

Revvity Omics, Revvity
Classification: Uncertain significance. Last evaluated: 2019-10-22. Review status: criteria provided, single submitter. Criteria: ACMG Guidelines, 2015. Collection method: clinical testing. Allele origin: germline.

Center for Advanced Laboratory Medicine, UC San Diego Health, University of California San Diego
Classification: Likely benign for Cardiomyopathy. Last evaluated: 2017-11-01. Review status: criteria provided, single submitter. Criteria: ACMG Guidelines, 2015. Collection method: clinical testing. Allele origin: germline. Affected: yes. Observed: 1 variant allele.

NM_001267550.2(TTN):c.31174G>A (p.Glu10392Lys)

Gene: TTN (titin; minus strand). Cytogenetic location: 2q31.2.
Variant type: single nucleotide variant.
Coding change: c.31174G>A on transcript NM_001267550.2 (MANE Select); coding-DNA position 31174, G replaced by A.
Protein change: p.Glu10392Lys; replaces glutamic acid 10392 with lysine.
Molecular consequence: missense variant. On other transcripts: intron variant (3).
Genome position (GRCh38, 1-based): chr2:178,695,898, C>T on the plus strand (G>A on the coding strand, the complement: TTN is on the minus strand). VCF-style: chr2-178695898-C-T. GRCh37 (hg19) VCF-style: chr2-179560625-C-T.
Other names: c.30223G>A, p.Glu10075Lys (NM_001256850.1); c.27442G>A, p.Glu9148Lys (NM_133378.4); c.13282+42184G>A (NM_003319.4); c.13858+42184G>A (NM_133437.4); c.13657+42184G>A (NM_133432.3); short protein forms E10075K, E9148K, E10392K.
Identifiers: ClinVar variation 691752 (VCV000691752.7), dbSNP rs187792775, ClinGen allele CA1999020.
Genomic context (GRCh38, chr2:178,695,898, plus strand): 5'-GAAACAAGTCATTCAGTTTATACATACCTTCATAGACCTCCTTTTGAACTTGAATTACTT[C>T]CCTTTCTTGGTAAGCCTCTTCCCACTCTTCCTCCCCTTCGTCATAGCCTTCTTCCCTTTC-3'
Protein context (NP_001254479.2, residues 10382-10402): EEWEEAYQER[Glu10392Lys]VIQVQKEVYE